The following is an entry in ClinVar:

ClinVar aggregate classification (germline): Uncertain significance (1 of 4 stars; one submission).

Conditions:
Very long chain acyl-CoA dehydrogenase deficiency (ACADVLD). Also called: Very Long-Chain Acyl-Coenzyme A Dehydrogenase Deficiency; VLCAD Deficiency. Identifiers: Orphanet 26793, MedGen C3887523, MONDO:0008723, OMIM 201475.

Allele frequency attached by ClinVar (database versions not stated): gnomAD 0.00001.
gnomAD v4.1: 1 of 1,614,034 alleles (0.000062%); highest among the groups gnomAD compares: Non-Finnish European, 0.000085%; no homozygotes.

Submission:

Labcorp Genetics (formerly Invitae), Labcorp
Classification: Uncertain significance for Very long chain acyl-CoA dehydrogenase deficiency. Last evaluated: 2022-07-07. Review status: criteria provided, single submitter. Criteria: Invitae Variant Classification Sherloc (09022015). Collection method: clinical testing. Allele origin: germline.
Comment: In summary, the available evidence is currently insufficient to determine the role of this variant in disease. Therefore, it has been classified as a Variant of Uncertain Significance. Advanced modeling of protein sequence and biophysical properties (such as structural, functional, and spatial information, amino acid conservation, physicochemical variation, residue mobility, and thermodynamic stability) performed at Invitae indicates that this missense variant is expected to disrupt ACADVL protein function. This variant has not been reported in the literature in individuals affected with ACADVL-related conditions. This variant is not present in population databases (gnomAD no frequency). This sequence change replaces phenylalanine, which is neutral and non-polar, with tyrosine, which is neutral and polar, at codon 78 of the ACADVL protein (p.Phe78Tyr).

NM_000018.4(ACADVL):c.233T>A (p.Phe78Tyr)

Gene: ACADVL (acyl-CoA dehydrogenase very long chain; plus strand). Cytogenetic location: 17p13.1.
Variant type: single nucleotide variant.
Coding change: c.233T>A on transcript NM_000018.4 (MANE Select); coding-DNA position 233, T replaced by A.
Protein change: p.Phe78Tyr; replaces phenylalanine 78 with tyrosine.
Molecular consequence: missense variant.
Genome position (GRCh38, 1-based): chr17:7,220,632, T>A. VCF-style: chr17-7220632-T-A. GRCh37 (hg19) VCF-style: chr17-7123951-T-A.
Other names: c.167T>A, p.Phe56Tyr (NM_001033859.3); c.302T>A, p.Phe101Tyr (NM_001270447.2); c.5T>A, p.Phe2Tyr (NM_001270448.2); short protein forms F78Y, F2Y, F101Y, F56Y.
Identifiers: ClinVar variation 1902440 (VCV001902440.3), dbSNP rs1567561038, ClinGen allele CA397722384.